The following is an entry in ClinVar:

NM_000090.4(COL3A1):c.2TGA[1] (p.Met2del)

Gene: COL3A1 (collagen type III alpha 1 chain; plus strand). Cytogenetic location: 2q32.2.
Variant type: Microsatellite.
Coding change: c.2TGA[1] on transcript NM_000090.4 (MANE Select); one copy of the 3-base unit TGA starting at c.2; the reference has two copies in a row; one copy, 3 bases deleted.
Protein change: p.Met2del; deletes methionine 2.
Molecular consequence: initiator codon variant.
Genome position (GRCh38, 1-based): chr2:188,974,494-188,974,496, TGA deleted; deleting any 3 consecutive bases within chr2:188,974,490-188,974,496 gives the same sequence; the position shown is the placement nearest the transcript's 3' end. VCF-style (leftmost placement, unchanged base first): chr2-188974489-CATG-C. GRCh37 (hg19) VCF-style: chr2-189839215-CATG-C.
Other names: short protein forms M2del.
Identifiers: ClinVar variation 3724557 (VCV003724557.2).
Genomic context (GRCh38, chr2:188,974,489, plus strand): 5'-ACTTTGAACTGCTTTTCTTTTCTCCTTTTTGCACAAAGAGTCTCATGTCTGATATTTAGA[CATG>C]ATGAGCTTTGTGCAAAAGGGGAGCTGGCTACTTCTCGCTCTGCTTCATCCCACTATTATT-3'

ClinVar aggregate classification (germline): Uncertain significance (1 of 4 stars; one submission).

Conditions:
Ehlers-Danlos syndrome, type 4 (EDSVASC). Also called: Ehlers-Danlos syndrome vascular type; Ehlers Danlos syndrome, ecchymotic type; Ehlers Danlos syndrome, arterial type; Ehlers Danlos syndrome, Sack-Barabas type; Ehlers-Danlos Syndrome Type IV. Identifiers: Orphanet 286, MedGen C0268338, MONDO:0017314, OMIM 130050.

Submission:

Labcorp Genetics (formerly Invitae), Labcorp
Classification: Uncertain significance for Ehlers-Danlos syndrome, type 4. Last evaluated: 2024-11-03. Review status: criteria provided, single submitter. Criteria: Invitae Variant Classification Sherloc (09022015). Collection method: clinical testing. Allele origin: germline.
Comment: This variant, c.5_7del, results in the deletion of 1 amino acid(s) of the COL3A1 protein (p.Met2del), but otherwise preserves the integrity of the reading frame. This variant is not present in population databases (gnomAD no frequency). This variant has not been reported in the literature in individuals affected with COL3A1-related conditions. Experimental studies and prediction algorithms are not available or were not evaluated, and the functional significance of this variant is currently unknown. Algorithms developed to predict the effect of sequence changes on RNA splicing suggest that this variant may disrupt the consensus splice site. In summary, the available evidence is currently insufficient to determine the role of this variant in disease. Therefore, it has been classified as a Variant of Uncertain Significance.